The following is an entry in ClinVar:

ClinVar aggregate classification (germline): Pathogenic (1 of 4 stars; one submission).

Conditions:
Biotinidase deficiency. Also called: BTD deficiency; Late-onset biotin-responsive multiple carboxylase deficiency; Biotin deficiency. Identifiers: Orphanet 79241, MedGen C0220754, MONDO:0009665, OMIM 253260.

Submission:

Labcorp Genetics (formerly Invitae), Labcorp
Classification: Pathogenic for Biotinidase deficiency. Last evaluated: 2021-04-23. Review status: criteria provided, single submitter. Criteria: Invitae Variant Classification Sherloc (09022015). Collection method: clinical testing. Allele origin: germline.
Comment: For these reasons, this variant has been classified as Pathogenic. This variant has not been reported in the literature in individuals with BTD-related conditions. This variant is a gross deletion of the genomic region encompassing exon(s) 1-3 of the BTD gene, which includes the initiator codon. The 5' end of this event is unknown as it extends beyond the assayed region for this gene and therefore may encompass additional genes. The 3' boundary is likely confined to intron 3 of the BTD gene. It is expected to result in an absent or disrupted protein product. Loss-of-function variants in BTD are known to be pathogenic (PMID: 20083419).

Literature cited by the submitters: PubMed 20083419.

NC_000003.11:g.(?_15643358)_(15683584_?)del

Gene: BTD (biotinidase; plus strand). Cytogenetic location: 3p25.1.
Variant type: Deletion.
Identifiers: ClinVar variation 1351678 (VCV001351678.5).